The following is an entry in ClinVar:

ClinVar aggregate classification (germline): Uncertain significance (1 of 4 stars; one submission).

Allele frequency attached by ClinVar (database versions not stated): ExAC 0.00001; gnomAD 0.00001; 1000 Genomes Project 30x 0.00016; 1000 Genomes Project 0.00020.
gnomAD v4.1: 3 of 1,614,046 alleles (0.00019%); highest among the groups gnomAD compares: South Asian, 0.0022%; no homozygotes.

Submission:

Labcorp Genetics (formerly Invitae), Labcorp
Classification: Uncertain significance. Last evaluated: 2024-10-23. Review status: criteria provided, single submitter. Criteria: Invitae Variant Classification Sherloc (09022015). Collection method: clinical testing. Allele origin: germline.
Comment: This sequence change replaces proline, which is neutral and non-polar, with serine, which is neutral and polar, at codon 542 of the DNM1L protein (p.Pro542Ser). This variant is present in population databases (rs535907248, gnomAD 0.006%). This variant has not been reported in the literature in individuals affected with DNM1L-related conditions. An algorithm developed to predict the effect of missense changes on protein structure and function (PolyPhen-2) suggests that this variant is likely to be tolerated. In summary, the available evidence is currently insufficient to determine the role of this variant in disease. Therefore, it has been classified as a Variant of Uncertain Significance.

NM_012062.5(DNM1L):c.1624C>T (p.Pro542Ser)

Gene: DNM1L (dynamin 1 like; plus strand). Cytogenetic location: 12p11.21.
Variant type: single nucleotide variant.
Coding change: c.1624C>T on transcript NM_012062.5 (MANE Select); coding-DNA position 1624, C replaced by T.
Protein change: p.Pro542Ser; replaces proline 542 with serine.
Molecular consequence: missense variant. On other transcripts: intron variant (3).
Genome position (GRCh38, 1-based): chr12:32,737,892, C>T. VCF-style: chr12-32737892-C-T. GRCh37 (hg19) VCF-style: chr12-32890826-C-T.
Other names: c.1624C>T, p.Pro542Ser (NM_001278463.2); c.1663C>T, p.Pro555Ser (NM_001278464.2, NM_001278465.2); c.1015C>T, p.Pro339Ser (NM_001278466.2); c.1635+731C>T (NM_001330380.2); c.1597-372C>T (NM_012063.4); c.1596+731C>T (NM_005690.5); short protein forms P339S, P542S, P555S.
Identifiers: ClinVar variation 2965806 (VCV002965806.3), dbSNP rs535907248, ClinGen allele CA6507629.